The following is an entry in ClinVar:

ClinVar aggregate classification (germline): Likely pathogenic. Review status: criteria provided, multiple submitters, no conflicts (2 of 4 stars). 2 submissions from 2 submitters: Likely pathogenic (2). Last evaluated 2026-07-01.

Conditions:
Inborn genetic diseases. Identifiers: MedGen C0950123, MeSH D030342.
Hereditary angioedema types I and II.

Submissions (2):

North West Genomic Laboratory Hub, Manchester University NHS Foundation Trust
Classification: Likely pathogenic for Hereditary angioedema types I and II. Last evaluated: 2026-07-01. Review status: criteria provided, single submitter. Criteria: ACGS Best Practice Guidelines for Variant Classification in Rare Disease 2024. Collection method: clinical testing. Allele origin: germline. Affected: yes.
Comment: PP4_Supp PP3_Supp PS4_Mod PM2_Mod

Ambry Genetics
Classification: Likely pathogenic for Inborn genetic diseases. Last evaluated: 2016-03-15. Review status: criteria provided, single submitter. Criteria: Ambry Variant Classification Scheme 2023. Collection method: clinical testing. Allele origin: germline.
Comment: The p.P498L variant (also known as c.1493C>T), located in coding exon 7 of the SERPING1 gene, results from a C to T substitution at nucleotide position 1493. The proline at codon 498 is replaced by leucine, an amino acid with similar properties. This variant has been reported in two hereditary angioedema (HAE) families (G&ouml;sswein T, Cytogenet. Genome Res. 2008 ; 121(3-4):181-8; Pappalardo E, Mol. Immunol. 2008 Aug; 45(13):3536-44). This variant was not reported in population based cohorts in the following databases: Database of Single Nucleotide Polymorphisms (dbSNP), NHLBI Exome Sequencing Project (ESP), and 1000 Genomes Project. In the ESP, this variant was not observed in 6497 samples (12994 alleles) with coverage at this position. This amino acid position is highly conserved in available vertebrate species. In addition, this alteration is predicted to be deleterious by in silico analysis. Based on the majority of available evidence to date, this variant is likely to be pathogenic.

Literature cited by the submitters: PubMed 18586324 (cited by Ambry Genetics); PubMed 18758157 (cited by Ambry Genetics).

NM_000062.3(SERPING1):c.1493C>T (p.Pro498Leu)

Gene: SERPING1 (serpin family G member 1; plus strand). Cytogenetic location: 11q12.1.
Variant type: single nucleotide variant.
Coding change: c.1493C>T on transcript NM_000062.3 (MANE Select); coding-DNA position 1493, C replaced by T.
Protein change: p.Pro498Leu; replaces proline 498 with leucine.
Molecular consequence: missense variant.
Genome position (GRCh38, 1-based): chr11:57,614,571, C>T. VCF-style: chr11-57614571-C-T. GRCh37 (hg19) VCF-style: chr11-57382044-C-T.
Other names: c.1493C>T, p.Pro498Leu (NM_001032295.2); short protein forms P498L.
Identifiers: ClinVar variation 1773829 (VCV001773829.3), dbSNP rs2495458739, ClinGen allele CA380690958.